The following is an entry in ClinVar:

ClinVar aggregate classification (germline): Pathogenic/Likely pathogenic. Review status: criteria provided, multiple submitters, no conflicts (2 of 4 stars). 2 submissions from 2 submitters: Pathogenic (1); Likely pathogenic (1). Last evaluated 2025-11-17.

Conditions:
Joubert syndrome. Also called: JOUBERT-BOLTSHAUSER SYNDROME; Familial aplasia of the vermis. Identifiers: Orphanet 475, MedGen C5979921, MONDO:0018772.
Meckel-Gruber syndrome. Also called: DYSENCEPHALIA SPLANCHNOCYSTICA; GRUBER SYNDROME; Dysencephalia splachnocystica. Identifiers: Orphanet 564, MedGen C0265215, MONDO:0018921.

Submissions (2):

Dasa
Classification: Likely pathogenic. Last evaluated: 2025-11-17. Review status: criteria provided, single submitter. Criteria: DASA Assertion Criteria. Collection method: clinical testing. Allele origin: germline.
Comment: NM_153704.6(TMEM67):c.1942_1951del (p.Val648Leufs*15) is a frameshift variant in TMEM67 predicted to alter the reading frame and introduce a premature termination codon and is predicted to result in an absent or altered protein product. Loss of function is an established disease mechanism for TMEM67-associated disorders. Also, this variant is rare in population databases. Based on the currently available evidence, this variant is classified as likely pathogenic.

Labcorp Genetics (formerly Invitae), Labcorp
Classification: Pathogenic for Joubert syndrome; Meckel-Gruber syndrome. Last evaluated: 2023-07-19. Review status: criteria provided, single submitter. Criteria: Invitae Variant Classification Sherloc (09022015). Collection method: clinical testing. Allele origin: germline.
Comment: For these reasons, this variant has been classified as Pathogenic. Algorithms developed to predict the effect of sequence changes on RNA splicing suggest that this variant may create or strengthen a splice site. This variant has not been reported in the literature in individuals affected with TMEM67-related conditions. This variant is not present in population databases (gnomAD no frequency). This sequence change creates a premature translational stop signal (p.Val648Leufs*15) in the TMEM67 gene. It is expected to result in an absent or disrupted protein product. Loss-of-function variants in TMEM67 are known to be pathogenic (PMID: 20232449, 23559409).

Literature cited by the submitters: PubMed 20232449 (cited by Labcorp Genetics (formerly Invitae), Labcorp); PubMed 23559409 (cited by Labcorp Genetics (formerly Invitae), Labcorp).

NM_153704.6(TMEM67):c.1942_1951del (p.Val648fs)

Gene: TMEM67 (transmembrane protein 67; plus strand). Cytogenetic location: 8q22.1.
Variant type: Deletion.
Coding change: c.1942_1951del on transcript NM_153704.6 (MANE Select); coding-DNA positions 1942 to 1951, 10 bases deleted (GTTCTTAAAG; older notation c.1942_1951delGTTCTTAAAG).
Protein change: p.Val648fs; shifts the reading frame from valine 648.
Molecular consequence: frameshift variant. On other transcripts: non-coding transcript variant (1).
Genome position (GRCh38, 1-based): chr8:93,797,215-93,797,224, GTTCTTAAAG deleted; deleting any 10 consecutive bases within chr8:93,797,211-93,797,224 gives the same sequence; the c. name uses the placement nearest the transcript's 3' end. VCF-style (leftmost placement, unchanged base first): chr8-93797210-GAAAGGTTCTT-G. GRCh37 (hg19) VCF-style: chr8-94809438-GAAAGGTTCTT-G.
Other names: c.1699_1708del, p.Val567fs (NM_001142301.1); short protein forms V567fs, V648fs.
Identifiers: ClinVar variation 2935041 (VCV002935041.5), dbSNP rs1425829432, ClinGen allele CA857044018.